The following is an entry in ClinVar:

NM_012330.4(KAT6B):c.3847C>G (p.Pro1283Ala)

Gene: KAT6B (lysine acetyltransferase 6B; plus strand). Cytogenetic location: 10q22.2.
Variant type: single nucleotide variant.
Coding change: c.3847C>G on transcript NM_012330.4 (MANE Select); coding-DNA position 3847, C replaced by G.
Protein change: p.Pro1283Ala; replaces proline 1283 with alanine.
Molecular consequence: missense variant.
Genome position (GRCh38, 1-based): chr10:75,028,671, C>G. VCF-style: chr10-75028671-C-G. GRCh37 (hg19) VCF-style: chr10-76788429-C-G.
Other names: c.3847C>G (NM_012330.2); c.3298C>G, p.Pro1100Ala (NM_001256468.2, NM_001370138.1); c.2971C>G, p.Pro991Ala (NM_001256469.2, NM_001370139.1, NM_001370140.1 and 2 more transcripts); c.2809C>G, p.Pro937Ala (NM_001370132.1); c.2158C>G, p.Pro720Ala (NM_001370133.1); c.1762C>G, p.Pro588Ala (NM_001370134.1); c.1504C>G, p.Pro502Ala (NM_001370135.1); c.3847C>G, p.Pro1283Ala (NM_001370136.1, NM_001370137.1); and 1 more; short protein forms P1100A, P1283A, P502A, P588A, P720A, P928A, P937A, P991A.
Identifiers: ClinVar variation 1216063 (VCV001216063.25), dbSNP rs371747862, ClinGen allele CA5564916.
Genomic context (GRCh38, chr10:75,028,671, plus strand): 5'-AAAGAGAGGAAGACCGGATTTAAACTGAATTTGTACACCCCGCCAGAAACACCCATGGAG[C>G]CTGACGAGCAGGTAACAGTGGAAGAACAGAAGGAGACTTCAGAAGGAAAAACCAGCCCCA-3'
Protein context (NP_036462.2, residues 1273-1293): LYTPPETPME[Pro1283Ala]DEQVTVEEQK

ClinVar aggregate classification (germline): Benign/Likely benign. Review status: criteria provided, multiple submitters, no conflicts (2 of 4 stars). 4 submissions from 4 submitters: Benign (1); Likely benign (3). Last evaluated 2025-11-04.

Conditions:
Inborn genetic diseases. Identifiers: MedGen C0950123, MeSH D030342.
Genitopatellar syndrome (GTPTS). Also called: Genitopatellar syndrome (GPS); ABSENT PATELLAE, SCROTAL HYPOPLASIA, RENAL ANOMALIES, FACIAL DYSMORPHISM, AND MENTAL RETARDATION. Identifiers: Orphanet 85201, MedGen C1853566, MONDO:0011640, OMIM 606170.

Allele frequency attached by ClinVar (database versions not stated): gnomAD 0.00003; TOPMed 0.00003; gnomAD exomes 0.00005; ExAC 0.00007; ESP Exome Variant Server 0.00008.
gnomAD v4.1: 78 of 1,613,920 alleles (0.0048%); highest among the groups gnomAD compares: Middle Eastern, 0.033%; no homozygotes.

Submissions (4):

Labcorp Genetics (formerly Invitae), Labcorp
Classification: Benign for Genitopatellar syndrome. Last evaluated: 2025-11-04. Review status: criteria provided, single submitter. Criteria: Invitae Variant Classification Sherloc (09022015). Collection method: clinical testing. Allele origin: germline.

CeGaT Center for Human Genetics Tuebingen
Classification: Likely benign. Last evaluated: 2024-08-01. Review status: criteria provided, single submitter. Criteria: CeGaT Center For Human Genetics Tuebingen Variant Classification Criteria Version 2. Collection method: clinical testing. Allele origin: germline. Affected: yes. Observed: 1 variant allele.
Comment: KAT6B: BP4, BS2

Ambry Genetics
Classification: Likely benign for Inborn genetic diseases. Last evaluated: 2022-10-27. Review status: criteria provided, single submitter. Criteria: Ambry Variant Classification Scheme 2023. Collection method: clinical testing. Allele origin: germline.

GeneDx
Classification: Likely benign. Last evaluated: 2020-01-14. Review status: criteria provided, single submitter. Criteria: GeneDx Variant Classification Process June 2021. Collection method: clinical testing. Allele origin: germline. Affected: yes.